The following is an entry in ClinVar:

ClinVar aggregate classification (germline): Likely benign. Review status: criteria provided, multiple submitters, no conflicts (2 of 4 stars). 4 submissions from 4 submitters: Likely benign (4). Last evaluated 2025-12-15.

Conditions:
Fanconi anemia (FA). Also called: Fanconi's anemia. Identifiers: Orphanet 84, MedGen C0015625, MeSH D005199, MONDO:0019391.
Fanconi anemia complementation group D2. Also called: FANCD2-Related Fanconi Anemia; FANCONI PANCYTOPENIA, TYPE 4; FANCONI ANEMIA, COMPLEMENTATION GROUP D. Identifiers: Orphanet 84, MedGen C3160738, MONDO:0009214, OMIM 227646.

Allele frequency attached by ClinVar (database versions not stated): ESP Exome Variant Server 0.00008; 1000 Genomes Project 30x 0.00016; ExAC 0.00002; gnomAD exomes 0.00003 and 0.00001; gnomAD 0.00011; TOPMed 0.00014; 1000 Genomes Project 0.00020.
gnomAD v4.1: 36 of 1,614,138 alleles (0.0022%); highest among the groups gnomAD compares: African/African-American, 0.045%; no homozygotes.

Submissions (4):

Labcorp Genetics (formerly Invitae), Labcorp
Classification: Likely benign for Fanconi anemia. Last evaluated: 2025-12-15. Review status: criteria provided, single submitter. Criteria: Invitae Variant Classification Sherloc (09022015). Collection method: clinical testing. Allele origin: germline.

Blueprint Genetics
Classification: Likely benign. Last evaluated: 2024-05-03. Review status: criteria provided, single submitter. Criteria: ACMG Guidelines, 2015. Collection method: clinical testing. Allele origin: germline.

CeGaT Center for Human Genetics Tuebingen
Classification: Likely benign. Last evaluated: 2023-12-01. Review status: criteria provided, single submitter. Criteria: CeGaT Center For Human Genetics Tuebingen Variant Classification Criteria Version 2. Collection method: clinical testing. Allele origin: germline. Affected: yes. Observed: 1 variant allele.
Comment: FANCD2: BP4, BP7

Fulgent Genetics
Classification: Likely benign for Fanconi anemia complementation group D2. Last evaluated: 2022-05-04. Review status: criteria provided, single submitter. Criteria: ACMG Guidelines, 2015. Collection method: clinical testing. Allele origin: unknown.

NM_001018115.3(FANCD2):c.4281+81G>A

Genes: FANCD2 (FA complementation group D2; plus strand), FANCD2OS (FANCD2 opposite strand; minus strand). Cytogenetic location: 3p25.3.
Variant type: single nucleotide variant.
Coding change: c.4281+81G>A on transcript NM_001018115.3 (MANE Select); 81 bases into the intron after coding-DNA position 4281, G replaced by A.
Molecular consequence: intron variant. On other transcripts: synonymous variant (2).
Genome position (GRCh38, 1-based): chr3:10,098,896, G>A. VCF-style: chr3-10098896-G-A. GRCh37 (hg19) VCF-style: chr3-10140580-G-A.
Other names: c.4323G>A, p.Leu1441= (NM_001374254.1); c.4362G>A, p.Leu1454= (NM_033084.6); c.4281+81G>A (NM_001319984.2); c.4170+81G>A (NM_001374253.1); c.*43+5302C>T (NM_173472.2).
Identifiers: ClinVar variation 414656 (VCV000414656.69), dbSNP rs145889419, ClinGen allele CA2250679.